The following is an entry in ClinVar:

NM_144997.7(FLCN):c.803G>A (p.Arg268Gln)

Gene: FLCN (folliculin; minus strand). Cytogenetic location: 17p11.2.
Variant type: single nucleotide variant.
Coding change: c.803G>A on transcript NM_144997.7 (MANE Select); coding-DNA position 803, G replaced by A.
Protein change: p.Arg268Gln; replaces arginine 268 with glutamine.
Molecular consequence: missense variant.
Genome position (GRCh38, 1-based): chr17:17,221,605, C>T on the plus strand (G>A on the coding strand, the complement: FLCN is on the minus strand). VCF-style: chr17-17221605-C-T. GRCh37 (hg19) VCF-style: chr17-17124919-C-T.
Other names: c.857G>A, p.Arg286Gln (NM_001353229.2); c.803G>A, p.Arg268Gln (NM_001353230.2, NM_001353231.2, NM_144606.7); c.803G>A (NM_144997.5); short protein forms R268Q, R286Q.
Identifiers: ClinVar variation 1507655 (VCV001507655.8), dbSNP rs775085512, ClinGen allele CA8416286.
Genomic context (GRCh38, chr17:17,221,605, plus strand): 5'-TTCTCCATCTGGACCAAGGTATCCTCGGTCGGAGCACCTTCCAGGAGCTTCTCGGTCAGC[C>T]GGCTGCCACACGCCTTCAGGAGCCTGGAGAACACAGCACCAGCTATGAGCGTTCTCGCCA-3'
Protein context (NP_659434.2, residues 258-278): FAWLLKACGS[Arg268Gln]LTEKLLEGAP

ClinVar aggregate classification (germline): Uncertain significance. Review status: criteria provided, multiple submitters, no conflicts (2 of 4 stars). 3 submissions from 3 submitters: Uncertain significance (3). Last evaluated 2024-10-10.

Conditions:
Hereditary cancer-predisposing syndrome. Also called: Neoplastic Syndromes, Hereditary; Hereditary Cancer Syndrome; Tumor predisposition; Hereditary neoplastic syndrome. Identifiers: Orphanet 140162, MedGen C0027672, MeSH D009386, MONDO:0015356.
Birt-Hogg-Dube syndrome. Also called: Birt Hogg Dubé syndrome. Identifiers: Orphanet 122, MedGen C0346010, MONDO:0800444.

Allele frequency attached by ClinVar (database versions not stated): ExAC 0.00001; gnomAD exomes 0.00001; gnomAD 0.00003 and 0.00004.
gnomAD v4.1: 19 of 1,609,296 alleles (0.0012%); highest among the groups gnomAD compares: East Asian, 0.0045%; no homozygotes.

Submissions (3):

Labcorp Genetics (formerly Invitae), Labcorp
Classification: Uncertain significance for Birt-Hogg-Dube syndrome. Last evaluated: 2024-10-10. Review status: criteria provided, single submitter. Criteria: Invitae Variant Classification Sherloc (09022015). Collection method: clinical testing. Allele origin: germline.
Comment: This sequence change replaces arginine, which is basic and polar, with glutamine, which is neutral and polar, at codon 268 of the FLCN protein (p.Arg268Gln). This variant is present in population databases (rs775085512, gnomAD 0.005%). This variant has not been reported in the literature in individuals affected with FLCN-related conditions. ClinVar contains an entry for this variant (Variation ID: 1507655). Invitae Evidence Modeling of protein sequence and biophysical properties (such as structural, functional, and spatial information, amino acid conservation, physicochemical variation, residue mobility, and thermodynamic stability) has been performed for this missense variant. However, the output from this modeling did not meet the statistical confidence thresholds required to predict the impact of this variant on FLCN protein function. In summary, the available evidence is currently insufficient to determine the role of this variant in disease. Therefore, it has been classified as a Variant of Uncertain Significance.

Ambry Genetics
Classification: Uncertain significance for Hereditary cancer-predisposing syndrome. Last evaluated: 2023-12-07. Review status: criteria provided, single submitter. Criteria: Ambry Variant Classification Scheme 2023. Collection method: clinical testing. Allele origin: germline.
Comment: The p.R268Q variant (also known as c.803G>A), located in coding exon 5 of the FLCN gene, results from a G to A substitution at nucleotide position 803. The arginine at codon 268 is replaced by glutamine, an amino acid with highly similar properties. This amino acid position is highly conserved in available vertebrate species. In addition, this alteration is predicted to be deleterious by in silico analysis. Since supporting evidence is limited at this time, the clinical significance of this alteration remains unclear.

Baylor Genetics
Classification: Uncertain significance for Birt-Hogg-Dube syndrome 1. Last evaluated: 2023-10-05. Review status: criteria provided, single submitter. Criteria: ACMG Guidelines, 2015. Collection method: clinical testing. Allele origin: unknown.